The following is an entry in ClinVar:

NM_001042750.2(STAG2):c.1850G>A (p.Arg617Gln)

Gene: STAG2 (STAG2 cohesin complex component; plus strand). Cytogenetic location: Xq25.
Variant type: single nucleotide variant.
Coding change: c.1850G>A on transcript NM_001042750.2 (MANE Select); coding-DNA position 1850, G replaced by A.
Protein change: p.Arg617Gln; replaces arginine 617 with glutamine.
Molecular consequence: missense variant.
Genome position (GRCh38, 1-based): chrX:124,063,876, G>A. VCF-style: chrX-124063876-G-A. GRCh37 (hg19) VCF-style: chrX-123197726-G-A.
Other names: c.1850G>A, p.Arg617Gln (NM_001042749.2, NM_001042751.2, NM_001282418.2 and 13 more transcripts); short protein forms R617Q.
Identifiers: ClinVar variation 2628529 (VCV002628529.3), dbSNP rs755599197, ClinGen allele CA10508899.

ClinVar aggregate classification (germline): Uncertain significance. Review status: criteria provided, multiple submitters, no conflicts (2 of 4 stars). 2 submissions from 2 submitters: Uncertain significance (2). Last evaluated 2025-10-10.

Conditions:
STAG2-related disorder. Also called: STAG2-Related Disorders.

Allele frequency attached by ClinVar (database versions not stated): gnomAD 0.00001; TOPMed below 0.00001; ExAC 0.00001; gnomAD exomes below 0.00001.
gnomAD v4.1: 5 of 1,208,227 alleles (0.00041%); highest among the groups gnomAD compares: Admixed American, 0.0044%; no homozygotes.

Submissions (2):

Dasa
Classification: Uncertain significance. Last evaluated: 2025-10-10. Review status: criteria provided, single submitter. Criteria: DASA Assertion Criteria. Collection method: clinical testing. Allele origin: germline.
Comment: NM_001042750.2(STAG2):c.1850G>A (p.Arg617Gln) is a missense variant that results in the substitution of arginine with glutamine. This variant is rare in population databases. Computational prediction algorithms are consistent with a benign effect. The currently available literature and clinical evidence are not sufficient to establish a definitive association between this variant and the reported condition. Therefore, this variant is classified as a variant of uncertain significance.

PreventionGenetics, part of Exact Sciences
Classification: Uncertain significance for STAG2-related condition. Last evaluated: 2023-01-16. Review status: criteria provided, single submitter. Criteria: ACMG Guidelines, 2015. Collection method: clinical testing. Allele origin: germline.
Comment: The STAG2 c.1850G>A variant is predicted to result in the amino acid substitution p.Arg617Gln. To our knowledge, this variant has not been reported in the literature. This variant is reported in 0.0073% of alleles in individuals of Latino descent in gnomAD. At this time, the clinical significance of this variant is uncertain due to the absence of conclusive functional and genetic evidence.